The following is an entry in ClinVar:

NM_001039591.3(USP9X):c.7218+6G>C

Gene: USP9X (ubiquitin specific peptidase 9 X-linked; plus strand). Cytogenetic location: Xp11.4.
Variant type: single nucleotide variant.
Coding change: c.7218+6G>C on transcript NM_001039591.3 (MANE Select); 6 bases into the intron after coding-DNA position 7218, G replaced by C.
Molecular consequence: intron variant.
Genome position (GRCh38, 1-based): chrX:41,229,415, G>C. VCF-style: chrX-41229415-G-C. GRCh37 (hg19) VCF-style: chrX-41088668-G-C.
Other names: c.7218+6G>C (NM_001039590.3).
Identifiers: ClinVar variation 745622 (VCV000745622.13), dbSNP rs377317888, ClinGen allele CA10389191.

ClinVar aggregate classification (germline): Benign. Review status: criteria provided, multiple submitters, no conflicts (2 of 4 stars). 3 submissions from 3 submitters: Benign (2). 1 of the submissions does not count toward it. Last evaluated 2026-01-05.

Conditions:
USP9X-related disorder. Also called: USP9X-related condition.

Allele frequency attached by ClinVar (database versions not stated): gnomAD 0.00114 and 0.00103; 1000 Genomes Project 0.00132; gnomAD exomes 0.00009 and 0.00034; ExAC 0.00050; ESP Exome Variant Server 0.00070; 1000 Genomes Project 30x 0.00104; TOPMed 0.00111.
gnomAD v4.1: 215 of 1,159,335 alleles (0.019%); highest among the groups gnomAD compares: African/African-American, 0.35%; no homozygotes.

Submissions (3):

Labcorp Genetics (formerly Invitae), Labcorp
Classification: Benign. Last evaluated: 2026-01-05. Review status: criteria provided, single submitter. Criteria: Invitae Variant Classification Sherloc (09022015). Collection method: clinical testing. Allele origin: germline.

GeneDx
Classification: Benign. Last evaluated: 2020-03-31. Review status: criteria provided, single submitter. Criteria: GeneDx Variant Classification Process June 2021. Collection method: clinical testing. Allele origin: germline. Affected: yes.

PreventionGenetics, part of Exact Sciences
Classification: Likely benign for USP9X-related condition. Last evaluated: 2019-12-18. Review status: no assertion criteria provided. Collection method: clinical testing. Allele origin: germline. Not counted in ClinVar's aggregate classification.
Comment: This variant is classified as likely benign based on ACMG/AMP sequence variant interpretation guidelines (Richards et al. 2015 PMID: 25741868, with internal and published modifications).